The following is an entry in ClinVar:

ClinVar aggregate classification (germline): Benign/Likely benign. Review status: criteria provided, multiple submitters, no conflicts (2 of 4 stars). 3 submissions from 3 submitters: Benign (1); Likely benign (2). Last evaluated 2025-05-27.

Conditions:
Hereditary cancer-predisposing syndrome. Also called: Tumor predisposition; Hereditary Cancer Syndrome; Neoplastic Syndromes, Hereditary; Hereditary neoplastic syndrome. Identifiers: Orphanet 140162, MedGen C0027672, MeSH D009386, MONDO:0015356.
Familial cancer of breast. Also called: Hereditary breast cancer; BREAST CANCER, FAMILIAL; hereditary breast carcinoma. Identifiers: Orphanet 227535, MedGen C0346153, MONDO:0016419, OMIM 114480. Disease mechanism: loss of function.
Fanconi anemia complementation group J. Also called: BRIP1-Related Fanconi Anemia. Identifiers: Orphanet 84, MedGen C1836860, MONDO:0012187, OMIM 609054.

Submissions (3):

Labcorp Genetics (formerly Invitae), Labcorp
Classification: Likely benign for Familial cancer of breast; Fanconi anemia complementation group J. Last evaluated: 2025-05-27. Review status: criteria provided, single submitter. Criteria: Invitae Variant Classification Sherloc (09022015). Collection method: clinical testing. Allele origin: germline.

Myriad Genetics, Inc.
Classification: Benign for Familial cancer of breast. Last evaluated: 2024-08-22. Review status: criteria provided, single submitter. Criteria: Myriad Autosomal Dominant, Autosomal Recessive and X-Linked Classification Criteria (2023). Collection method: clinical testing. Allele origin: unknown.
Comment: This variant is considered benign. This variant is a silent/synonymous amino acid change and it is not expected to impact splicing.

Ambry Genetics
Classification: Likely benign for Hereditary cancer-predisposing syndrome. Last evaluated: 2019-07-14. Review status: criteria provided, single submitter. Criteria: Ambry Variant Classification Scheme 2023. Collection method: clinical testing. Allele origin: germline.

NM_032043.3(BRIP1):c.867C>A (p.Val289=)

Gene: BRIP1 (BRCA1 interacting DNA helicase 1; minus strand). Cytogenetic location: 17q23.2.
Variant type: single nucleotide variant.
Coding change: c.867C>A on transcript NM_032043.3 (MANE Select); coding-DNA position 867, C replaced by A.
Protein change: p.Val289=; no amino-acid change (valine 289 retained).
Molecular consequence: synonymous variant.
Genome position (GRCh38, 1-based): chr17:61,808,518, G>T on the plus strand (C>A on the coding strand, the complement: BRIP1 is on the minus strand). VCF-style: chr17-61808518-G-T. GRCh37 (hg19) VCF-style: chr17-59885879-G-T.
Identifiers: ClinVar variation 760645 (VCV000760645.12), dbSNP rs147739458, ClinGen allele CA501335392.